The following is an entry in ClinVar:

NM_002485.5(NBN):c.2257A>G (p.Arg753Gly)

Gene: NBN (nibrin; minus strand). Cytogenetic location: 8q21.3.
Variant type: single nucleotide variant.
Coding change: c.2257A>G on transcript NM_002485.5 (MANE Select); coding-DNA position 2257, A replaced by G.
Protein change: p.Arg753Gly; replaces arginine 753 with glycine.
Molecular consequence: missense variant.
Genome position (GRCh38, 1-based): chr8:89,935,590, T>C on the plus strand (A>G on the coding strand, the complement: NBN is on the minus strand). VCF-style: chr8-89935590-T-C. GRCh37 (hg19) VCF-style: chr8-90947818-T-C.
Other names: c.2011A>G, p.Arg671Gly (NM_001024688.3); short protein forms R671G, R753G.
Identifiers: ClinVar variation 3222430 (VCV003222430.1), dbSNP rs2488163338, ClinGen allele CA371674673.
Genomic context (GRCh38, chr8:89,935,590, plus strand): 5'-AAGTAGATGCTTACTAGGAAGTTTTTCCATGGCTTCTTTTTAAAATCCTCAGTTATCTTC[T>C]CCTTTTTAAATAAGGATTGTATCTGCAAAGAAAGAAATGGGGTTAAATGATATTTAGATA-3'
Protein context (NP_002476.2, residues 743-754): LFRYNPYLKR[Arg753Gly]R

ClinVar aggregate classification (germline): Uncertain significance (1 of 4 stars; one submission).

Conditions:
Hereditary cancer-predisposing syndrome. Also called: Tumor predisposition; Hereditary neoplastic syndrome; Hereditary Cancer Syndrome; Neoplastic Syndromes, Hereditary. Identifiers: Orphanet 140162, MedGen C0027672, MeSH D009386, MONDO:0015356.

Submission:

Ambry Genetics
Classification: Uncertain significance for Hereditary cancer-predisposing syndrome. Last evaluated: 2024-01-14. Review status: criteria provided, single submitter. Criteria: Ambry Variant Classification Scheme 2023. Collection method: clinical testing. Allele origin: germline.
Comment: The p.R753G variant (also known as c.2257A>G), located in coding exon 16 of the NBN gene, results from an A to G substitution at nucleotide position 2257. The arginine at codon 753 is replaced by glycine, an amino acid with dissimilar properties. This amino acid position is conserved. In addition, the in silico prediction for this alteration is inconclusive. Since supporting evidence is limited at this time, the clinical significance of this alteration remains unclear.